The following is an entry in ClinVar:

NM_173660.5(DOK7):c.1247_1250dup (p.Asp417fs)

Gene: DOK7 (docking protein 7; plus strand). Cytogenetic location: 4p16.3.
Variant type: Microsatellite.
Coding change: c.1247_1250dup on transcript NM_173660.5 (MANE Select); coding-DNA positions 1247 to 1250, 4 bases duplicated (GAGA; older notation c.1247_1250dupGAGA).
Protein change: p.Asp417fs; shifts the reading frame from aspartic acid 417.
Molecular consequence: frameshift variant. On other transcripts: 3 prime UTR variant (1).
Genome position (GRCh38, 1-based): chr4:3,493,233-3,493,236, GAGA duplicated; duplicating any 4 consecutive bases within chr4:3,493,232-3,493,236 gives the same sequence; the c. name uses the placement nearest the transcript's 3' end. VCF-style (leftmost placement, unchanged base first): chr4-3493231-T-TAGAG. GRCh37 (hg19) VCF-style: chr4-3494958-T-TAGAG.
Other names: c.*468GA[4] (NM_001164673.2); c.317_320dup, p.Asp107fs (NM_001256896.2); c.1247_1250dup, p.Asp417fs (NM_001301071.2); c.815_818dup, p.Asp273fs (NM_001363811.2); short protein forms D107fs, D273fs, D417fs.
Identifiers: ClinVar variation 2674876 (VCV002674876.4), dbSNP rs1728646811, ClinGen allele CA1434254751.

ClinVar aggregate classification (germline): Pathogenic/Likely pathogenic. Review status: criteria provided, multiple submitters, no conflicts (2 of 4 stars). 2 submissions from 2 submitters: Pathogenic (1); Likely pathogenic (1). Last evaluated 2023-09-13.

Conditions:
Fetal akinesia deformation sequence 1 (FADS1). Also called: Pena-Shokeir syndrome type I; Fetal akinesia sequence. Identifiers: Orphanet 994, MedGen C1276035, MONDO:0100101, OMIM 208150, HP:0001989.
Congenital myasthenic syndrome 10. Also called: Myasthenia, limb-girdle, familial. Identifiers: Orphanet 590, MedGen C1850792, MONDO:0009690, OMIM 254300.
Fetal akinesia deformation sequence 3. Identifiers: MedGen C4760599, MONDO:0100103, OMIM 618389.

Submissions (2):

Baylor Genetics
Classification: Likely pathogenic for Fetal akinesia deformation sequence 3. Last evaluated: 2023-09-13. Review status: criteria provided, single submitter. Criteria: ACMG Guidelines, 2015. Collection method: clinical testing. Allele origin: unknown.

Labcorp Genetics (formerly Invitae), Labcorp
Classification: Pathogenic for Congenital myasthenic syndrome 10; Fetal akinesia deformation sequence 1. Last evaluated: 2023-02-14. Review status: criteria provided, single submitter. Criteria: Invitae Variant Classification Sherloc (09022015). Collection method: clinical testing. Allele origin: germline.
Comment: This sequence change results in a frameshift in the DOK7 gene (p.Asp417Glufs*103). While this is not anticipated to result in nonsense mediated decay, it is expected to disrupt the last 88 amino acid(s) of the DOK7 protein and extend the protein by 14 additional amino acid residues. This variant is not present in population databases (gnomAD no frequency). This variant has not been reported in the literature in individuals affected with DOK7-related conditions. This variant disrupts a region of the DOK7 protein in which other variant(s) (p.Pro486Argfs*15) have been determined to be pathogenic (PMID: 29118959). This suggests that this is a clinically significant region of the protein, and that variants that disrupt it are likely to be disease-causing. For these reasons, this variant has been classified as Pathogenic.

Literature cited by the submitters: PubMed 29118959 (cited by Labcorp Genetics (formerly Invitae), Labcorp).